The following is an entry in ClinVar:

ClinVar aggregate classification (germline): Benign/Likely benign. Review status: criteria provided, multiple submitters, no conflicts (2 of 4 stars). 3 submissions from 3 submitters: Benign (1); Likely benign (2). Last evaluated 2026-05-01.

Conditions:
Early Myoclonic Encephalopathy. Identifiers: MedGen C0270855.

Allele frequency attached by ClinVar (database versions not stated): ExAC 0.00018; 1000 Genomes Project 0.00020; gnomAD exomes 0.00021 and 0.00047; ESP Exome Variant Server 0.00023; gnomAD 0.00027 and 0.00029; TOPMed 0.00029; 1000 Genomes Project 30x 0.00031.
gnomAD v4.1: 736 of 1,613,906 alleles (0.046%); highest among the groups gnomAD compares: Non-Finnish European, 0.056%; 1 homozygote.

Submissions (3):

CeGaT Center for Human Genetics Tuebingen
Classification: Likely benign. Last evaluated: 2026-05-01. Review status: criteria provided, single submitter. Criteria: CeGaT Center For Human Genetics Tuebingen Variant Classification Criteria Version 2. Collection method: clinical testing. Allele origin: germline. Affected: yes. Observed: 2 variant alleles.
Comment: KCND2: BP4, BP7

Labcorp Genetics (formerly Invitae), Labcorp
Classification: Likely benign for Early Myoclonic Encephalopathy. Last evaluated: 2026-01-05. Review status: criteria provided, single submitter. Criteria: Invitae Variant Classification Sherloc (09022015). Collection method: clinical testing. Allele origin: germline.

Women's Health and Genetics/Laboratory Corporation of America, LabCorp
Classification: Benign. Last evaluated: 2024-12-16. Review status: criteria provided, single submitter. Criteria: LabCorp Variant Classification Summary - May 2015. Collection method: clinical testing. Allele origin: germline.

NM_012281.3(KCND2):c.432C>T (p.Asn144=)

Gene: KCND2 (potassium voltage-gated channel subfamily D member 2; plus strand). Cytogenetic location: 7q31.31.
Variant type: single nucleotide variant.
Coding change: c.432C>T on transcript NM_012281.3 (MANE Select); coding-DNA position 432, C replaced by T.
Protein change: p.Asn144=; no amino-acid change (asparagine 144 retained).
Molecular consequence: synonymous variant.
Genome position (GRCh38, 1-based): chr7:120,275,064, C>T. VCF-style: chr7-120275064-C-T. GRCh37 (hg19) VCF-style: chr7-119915118-C-T.
Identifiers: ClinVar variation 460203 (VCV000460203.18), dbSNP rs150367628, ClinGen allele CA4453500.